The following is an entry in ClinVar:

NM_001379403.1(WDR26):c.791G>A (p.Arg264Gln)

Gene: WDR26 (WD repeat domain 26; minus strand). Cytogenetic location: 1q42.12.
Variant type: single nucleotide variant.
Coding change: c.791G>A on transcript NM_001379403.1 (MANE Select); coding-DNA position 791, G replaced by A.
Protein change: p.Arg264Gln; replaces arginine 264 with glutamine.
Molecular consequence: missense variant.
Genome position (GRCh38, 1-based): chr1:224,431,713, C>T on the plus strand (G>A on the coding strand, the complement: WDR26 is on the minus strand). VCF-style: chr1-224431713-C-T. GRCh37 (hg19) VCF-style: chr1-224619415-C-T.
Other names: c.491G>A, p.Arg164Gln (NM_001115113.3, NM_025160.7); short protein forms R164Q, R264Q.
Identifiers: ClinVar variation 4281763 (VCV004281763.2).

ClinVar aggregate classification (germline): Conflicting classifications of pathogenicity. Review status: criteria provided, conflicting classifications (1 of 4 stars). 2 submissions from 2 submitters: Likely pathogenic (1); Uncertain significance (1). Last evaluated 2025-04-08.

Conditions:
WDR26-related disorder. Also called: WDR26-related condition.

Submissions (2):

GeneDx
Classification: Uncertain significance. Last evaluated: 2025-04-08. Review status: criteria provided, single submitter. Criteria: GeneDx Variant Classification Process June 2021. Collection method: clinical testing. Allele origin: germline. Affected: yes.
Comment: Not observed at significant frequency in large population cohorts (gnomAD); In silico analysis supports that this missense variant has a deleterious effect on protein structure/function; Has not been previously published as pathogenic or benign to our knowledge

Blueprint Genetics
Classification: Likely pathogenic for WDR26-related disorders. Last evaluated: 2021-03-15. Review status: criteria provided, single submitter. Criteria: ACMG Guidelines, 2015. Collection method: clinical testing. Allele origin: de novo. Affected: yes. Observed: 1 variant allele.